The following is an entry in ClinVar:

NM_019066.5(MAGEL2):c.1923C>T (p.Pro641=)

Gene: MAGEL2 (MAGE family member L2; minus strand). Cytogenetic location: 15q11.2.
Variant type: single nucleotide variant.
Coding change: c.1923C>T on transcript NM_019066.5 (MANE Select); coding-DNA position 1923, C replaced by T.
Protein change: p.Pro641=; no amino-acid change (proline 641 retained).
Molecular consequence: synonymous variant.
Genome position (GRCh38, 1-based): chr15:23,645,820, G>A on the plus strand (C>T on the coding strand, the complement: MAGEL2 is on the minus strand). VCF-style: chr15-23645820-G-A. GRCh37 (hg19) VCF-style: chr15-23890967-G-A.
Identifiers: ClinVar variation 4699303 (VCV004699303.1).

ClinVar aggregate classification (germline): Uncertain significance (1 of 4 stars; one submission).

gnomAD v4.1: 8 of 1,587,820 alleles (0.0005%); highest among the groups gnomAD compares: South Asian, 0.0069%; no homozygotes.

Submission:

Labcorp Genetics (formerly Invitae), Labcorp
Classification: Uncertain significance. Last evaluated: 2025-07-06. Review status: criteria provided, single submitter. Criteria: Invitae Variant Classification Sherloc (09022015). Collection method: clinical testing. Allele origin: germline.
Comment: This sequence change affects codon 641 of the MAGEL2 mRNA. It is a 'silent' change, meaning that it does not change the encoded amino acid sequence of the MAGEL2 protein. The frequency data for this variant in the population databases is considered unreliable, as metrics indicate poor data quality at this position in the gnomAD database. This variant has not been reported in the literature in individuals affected with MAGEL2-related conditions. In summary, the available evidence is currently insufficient to determine the role of this variant in disease. Therefore, it has been classified as a Variant of Uncertain Significance.